The following is an entry in ClinVar:

NM_000501.4(ELN):c.1363G>A (p.Gly455Arg)

Gene: ELN (elastin; plus strand). Cytogenetic location: 7q11.23.
Variant type: single nucleotide variant.
Coding change: c.1363G>A on transcript NM_000501.4 (MANE Select); coding-DNA position 1363, G replaced by A.
Protein change: p.Gly455Arg; replaces glycine 455 with arginine.
Molecular consequence: missense variant. On other transcripts: intron variant (7).
Genome position (GRCh38, 1-based): chr7:74,057,645, G>A. VCF-style: chr7-74057645-G-A. GRCh37 (hg19) VCF-style: chr7-73471975-G-A.
Other names: c.1378G>A, p.Gly460Arg (NM_001081754.3); c.1363G>A, p.Gly455Arg (NM_001278912.2, NM_001278915.2); c.1333G>A, p.Gly445Arg (NM_001278917.2); c.1450G>A, p.Gly484Arg (NM_001278939.2); c.1372+932G>A (NM_001081753.3); c.1357+932G>A (NM_001081755.3); c.1315+932G>A (NM_001278916.2); c.1171+932G>A (NM_001278913.2); and 3 more; short protein forms G455R, G484R, G445R, G460R.
Identifiers: ClinVar variation 636522 (VCV000636522.5), dbSNP rs782260475, ClinGen allele CA4293009.

ClinVar aggregate classification (germline): Uncertain significance. Review status: criteria provided, multiple submitters, no conflicts (2 of 4 stars). 3 submissions from 3 submitters: Uncertain significance (3). Last evaluated 2025-03-31.

Conditions:
Supravalvar aortic stenosis (SVAS). Also called: Supravalvar aortic stenosis, Eisenberg type. Identifiers: Orphanet 3193, MedGen C0003499, MONDO:0008504, OMIM 185500, HP:0004381.
Williams syndrome (WBS). Also called: CHROMOSOME 7q11.23 DELETION SYNDROME, 1.5- TO 1.8-MB; WILLIAMS-BEUREN SYNDROME. Identifiers: Orphanet 904, MedGen C0175702, MONDO:0008678, OMIM 194050. Disease mechanism: loss of function.

Allele frequency attached by ClinVar (database versions not stated): ExAC 0.00001; gnomAD exomes 0.00001; TOPMed 0.00002; gnomAD 0.00003 and 0.00004.
gnomAD v4.1: 24 of 1,613,872 alleles (0.0015%); highest among the groups gnomAD compares: Non-Finnish European, 0.0019%; no homozygotes.

Submissions (3):

Labcorp Genetics (formerly Invitae), Labcorp
Classification: Uncertain significance for Supravalvar aortic stenosis. Last evaluated: 2025-03-31. Review status: criteria provided, single submitter. Criteria: Invitae Variant Classification Sherloc (09022015). Collection method: clinical testing. Allele origin: germline.
Comment: This sequence change replaces glycine, which is neutral and non-polar, with arginine, which is basic and polar, at codon 484 of the ELN protein (p.Gly484Arg). This variant is present in population databases (rs782260475, gnomAD 0.002%). This variant has not been reported in the literature in individuals affected with ELN-related conditions. ClinVar contains an entry for this variant (Variation ID: 636522). Invitae Evidence Modeling of protein sequence and biophysical properties (such as structural, functional, and spatial information, amino acid conservation, physicochemical variation, residue mobility, and thermodynamic stability) indicates that this missense variant is not expected to disrupt ELN protein function with a negative predictive value of 80%. In summary, the available evidence is currently insufficient to determine the role of this variant in disease. Therefore, it has been classified as a Variant of Uncertain Significance.

Genomic Medicine Center of Excellence, King Faisal Specialist Hospital and Research Centre
Classification: Uncertain significance for Williams syndrome. Last evaluated: 2024-09-22. Review status: criteria provided, single submitter. Criteria: ACMG Guidelines, 2015. Collection method: clinical testing. Allele origin: germline.

Blueprint Genetics
Classification: Uncertain significance. Last evaluated: 2023-12-05. Review status: criteria provided, single submitter. Criteria: ACMG Guidelines, 2015. Collection method: clinical testing. Allele origin: germline.